The following is an entry in ClinVar:

NM_007327.4(GRIN1):c.1923G>A (p.Met641Ile)

Gene: GRIN1 (glutamate ionotropic receptor NMDA type subunit 1; plus strand). Cytogenetic location: 9q34.3.
Variant type: single nucleotide variant.
Coding change: c.1923G>A on transcript NM_007327.4 (MANE Select); coding-DNA position 1923, G replaced by A.
Protein change: p.Met641Ile; replaces methionine 641 with isoleucine.
Molecular consequence: missense variant.
Genome position (GRCh38, 1-based): chr9:137,162,649, G>A. VCF-style: chr9-137162649-G-A. GRCh37 (hg19) VCF-style: chr9-140057101-G-A.
Other names: c.1923G>A, p.Met641Ile (NM_000832.7, NM_021569.4); c.1986G>A, p.Met662Ile (NM_001185090.2, NM_001185091.2); short protein forms M641I, M662I.
Identifiers: ClinVar variation 403957 (VCV000403957.16), dbSNP rs1060500046, ClinGen allele CA16612843.
Genomic context (GRCh38, chr9:137,162,649, plus strand): 5'-AGGCGCCCCCAGAAGCTTCTCAGCGCGCATCCTGGGCATGGTGTGGGCCGGCTTTGCCAT[G>A]ATCATCGTGGCCTCCTACACCGCCAACCTGGCGGCCTTCCTGGTGCTGGACCGGCCGGAG-3'
Protein context (NP_015566.1, residues 631-651): ILGMVWAGFA[Met641Ile]IIVASYTANL

ClinVar aggregate classification (germline): Pathogenic (1 of 4 stars; one submission).

Conditions:
GRIN1-related disorder. Also called: GRIN1-related condition.
Neurodevelopmental disorder with or without hyperkinetic movements and seizures, autosomal dominant. Also called: Intellectual disability, autosomal dominant 8. Identifiers: MedGen C3280282, MONDO:0013655, OMIM 614254.

Submissions (2):

Labcorp Genetics (formerly Invitae), Labcorp
Classification: Pathogenic for Neurodevelopmental disorder with or without hyperkinetic movements and seizures, autosomal dominant. Last evaluated: 2020-02-11. Review status: criteria provided, single submitter. Criteria: Invitae Variant Classification Sherloc (09022015). Collection method: clinical testing. Allele origin: germline.
Comment: This variant is not present in population databases (ExAC no frequency). This variant has been observed to be de novo in individuals affected with early onset epileptic encephalopathy (PMID: 27164704, Invitae). Algorithms developed to predict the effect of missense changes on protein structure and function are either unavailable or do not agree on the potential impact of this missense change (SIFT: "Deleterious"; PolyPhen-2: "Probably Damaging"; Align-GVGD: "Class C0"). This variant disrupts the p.Met641 amino acid residue in GRIN1. Other variant(s) that disrupt this residue have been determined to be pathogenic (PMID: 30355546, Invitae). This suggests that this residue is clinically significant, and that variants that disrupt this residue are likely to be disease-causing. For these reasons, this variant has been classified as Pathogenic. This sequence change replaces methionine with isoleucine at codon 641 of the GRIN1 protein (p.Met641Ile). The methionine residue is highly conserved and there is a small physicochemical difference between methionine and isoleucine.

Institute of experimental medicine CAS – Neurochemistry department., Institute of Experimental Medicine, Czech Academy of Science
No classification provided (evidence only). Review status: no classification provided. Collection method: in vitro. Allele origin: not applicable. Functional consequence: Effect on ion channel function. Not counted in ClinVar's aggregate classification.
Comment: The M641I variant has been identified in patient with sever intellectual disability, movement disorder and seizures (Lemke et al., 2016, PMID: 27164704)

"not provided" was previously submitted as the classification for the variant. It was converted to no classification on 2025-07-30.

Literature cited by the submitters: PubMed 27164704 (cited by Labcorp Genetics (formerly Invitae), Labcorp); PubMed 30355546 (cited by Labcorp Genetics (formerly Invitae), Labcorp).